The following is an entry in ClinVar:

ClinVar aggregate classification (germline): Uncertain significance. Review status: criteria provided, multiple submitters, no conflicts (2 of 4 stars). 2 submissions from 2 submitters: Uncertain significance (2). Last evaluated 2025-08-30.

Allele frequency attached by ClinVar (database versions not stated): gnomAD exomes below 0.00001.
gnomAD v4.1: 2 of 1,613,530 alleles (0.00012%); highest among the groups gnomAD compares: African/African-American, 0.0027%; no homozygotes.

Submissions (2):

Ambry Genetics
Classification: Uncertain significance. Last evaluated: 2025-08-30. Review status: criteria provided, single submitter. Criteria: Ambry Variant Classification Scheme 2023. Collection method: clinical testing. Allele origin: germline.

Labcorp Genetics (formerly Invitae), Labcorp
Classification: Uncertain significance. Last evaluated: 2022-05-27. Review status: criteria provided, single submitter. Criteria: Invitae Variant Classification Sherloc (09022015). Collection method: clinical testing. Allele origin: germline.
Comment: This sequence change replaces histidine, which is basic and polar, with tyrosine, which is neutral and polar, at codon 341 of the TNNI3K protein (p.His341Tyr). This variant is present in population databases (no rsID available, gnomAD 0.007%). This variant has not been reported in the literature in individuals affected with TNNI3K-related conditions. Algorithms developed to predict the effect of missense changes on protein structure and function (SIFT, PolyPhen-2, Align-GVGD) all suggest that this variant is likely to be disruptive. In summary, the available evidence is currently insufficient to determine the role of this variant in disease. Therefore, it has been classified as a Variant of Uncertain Significance.

NM_015978.3(TNNI3K):c.1021C>T (p.His341Tyr)

Genes: FPGT-TNNI3K (FPGT-TNNI3K readthrough; plus strand), TNNI3K (TNNI3 interacting kinase; plus strand). Cytogenetic location: 1p31.1.
Variant type: single nucleotide variant.
Coding change: c.1021C>T on transcript NM_015978.3 (MANE Select); coding-DNA position 1021, C replaced by T.
Protein change: p.His341Tyr; replaces histidine 341 with tyrosine.
Molecular consequence: missense variant.
Genome position (GRCh38, 1-based): chr1:74,353,354, C>T. VCF-style: chr1-74353354-C-T. GRCh37 (hg19) VCF-style: chr1-74819038-C-T.
Other names: c.1324C>T, p.His442Tyr (NM_001112808.3, NM_001199327.2); short protein forms H442Y, H341Y.
Identifiers: ClinVar variation 1999721 (VCV001999721.6), dbSNP rs1304788443, ClinGen allele CA340783882.
Genomic context (GRCh38, chr1:74,353,354, plus strand): 5'-CTAGTCAAATTTCTTCTTGATCAGAATGTCATAAACATCAACCACCAAGGAAGGGATGGG[C>T]ACACTGGTAAGACTGTGGTGAAAACACCACTAGTTCTATATGCTTATCAATGATTAAGAA-3'
Protein context (NP_057062.1, residues 331-351): ININHQGRDG[His341Tyr]TGLHSACYHG